The following is an entry in ClinVar:

NM_203447.4(DOCK8):c.1139T>G (p.Ile380Ser)

Gene: DOCK8 (dedicator of cytokinesis 8; plus strand). Cytogenetic location: 9p24.3.
Variant type: single nucleotide variant.
Coding change: c.1139T>G on transcript NM_203447.4 (MANE Select); coding-DNA position 1139, T replaced by G.
Protein change: p.Ile380Ser; replaces isoleucine 380 with serine.
Molecular consequence: missense variant.
Genome position (GRCh38, 1-based): chr9:334,238, T>G. VCF-style: chr9-334238-T-G. GRCh37 (hg19) VCF-style: chr9-334238-T-G.
Other names: c.935T>G, p.Ile312Ser (NM_001190458.2, NM_001193536.2); short protein forms I312S, I380S.
Identifiers: ClinVar variation 1054559 (VCV001054559.10), dbSNP rs577932942, ClinGen allele CA372752515.

ClinVar aggregate classification (germline): Uncertain significance (1 of 4 stars; one submission).

Conditions:
Combined immunodeficiency due to DOCK8 deficiency (HIES2). Also called: HIES autosomal recessive; DOCK8 Deficiency; HYPER-IgE SYNDROME 2, AUTOSOMAL RECESSIVE, WITH RECURRENT INFECTIONS; Hyper-IgE recurrent infection syndrome, autosomal recessive; HYPER-IgE RECURRENT INFECTION SYNDROME 2, AUTOSOMAL RECESSIVE. Identifiers: Orphanet 217390, MedGen C4722305, MONDO:0009478, OMIM 243700.

gnomAD v4.1: 4 of 1,614,078 alleles (0.00025%); highest among the groups gnomAD compares: East Asian, 0.0067%; no homozygotes.

Submission:

Labcorp Genetics (formerly Invitae), Labcorp
Classification: Uncertain significance for Combined immunodeficiency due to DOCK8 deficiency. Last evaluated: 2021-09-02. Review status: criteria provided, single submitter. Criteria: Invitae Variant Classification Sherloc (09022015). Collection method: clinical testing. Allele origin: germline.
Comment: This sequence change replaces isoleucine with serine at codon 380 of the DOCK8 protein (p.Ile380Ser). The isoleucine residue is moderately conserved and there is a large physicochemical difference between isoleucine and serine. This variant is not present in population databases (ExAC no frequency). This variant has not been reported in the literature in individuals affected with DOCK8-related conditions. Algorithms developed to predict the effect of missense changes on protein structure and function are either unavailable or do not agree on the potential impact of this missense change (SIFT: "Deleterious"; PolyPhen-2: "Benign"; Align-GVGD: "Class C0"). In summary, the available evidence is currently insufficient to determine the role of this variant in disease. Therefore, it has been classified as a Variant of Uncertain Significance.